The following is an entry in ClinVar:

NM_003060.4(SLC22A5):c.1411C>A (p.Arg471Ser)

Gene: SLC22A5 (solute carrier family 22 member 5; plus strand). Cytogenetic location: 5q31.1.
Variant type: single nucleotide variant.
Coding change: c.1411C>A on transcript NM_003060.4 (MANE Select); coding-DNA position 1411, C replaced by A.
Protein change: p.Arg471Ser; replaces arginine 471 with serine.
Molecular consequence: missense variant.
Genome position (GRCh38, 1-based): chr5:132,392,576, C>A. VCF-style: chr5-132392576-C-A. GRCh37 (hg19) VCF-style: chr5-131728268-C-A.
Other names: c.1483C>A, p.Arg495Ser (NM_001308122.2); short protein forms R471S, R495S.
Identifiers: ClinVar variation 444660 (VCV000444660.51), dbSNP rs749282641, ClinGen allele CA360809214.

ClinVar aggregate classification (germline): Likely pathogenic. Review status: criteria provided, multiple submitters, no conflicts (2 of 4 stars). 2 submissions from 2 submitters: Likely pathogenic (2). Last evaluated 2025-08-11.

Conditions:
Renal carnitine transport defect (CDSP). Also called: Systemic primary carnitine deficiency disease; CARNITINE DEFICIENCY, SYSTEMIC, DUE TO DEFECT IN RENAL REABSORPTION OF CARNITINE; CARNITINE TRANSPORTER, PLASMA-MEMBRANE, DEFICIENCY OF; CARNITINE UPTAKE DEFECT; Carnitine transporter deficiency; Systemic primary carnitine deficiency. Identifiers: Orphanet 158, MedGen C0342788, MONDO:0008919, OMIM 212140.

Submissions (2):

Labcorp Genetics (formerly Invitae), Labcorp
Classification: Likely pathogenic for Renal carnitine transport defect. Last evaluated: 2025-08-11. Review status: criteria provided, single submitter. Criteria: Invitae Variant Classification Sherloc (09022015). Collection method: clinical testing. Allele origin: germline.
Comment: This sequence change replaces arginine, which is basic and polar, with serine, which is neutral and polar, at codon 471 of the SLC22A5 protein (p.Arg471Ser). This variant is not present in population databases (gnomAD no frequency). This variant has not been reported in the literature in individuals affected with SLC22A5-related conditions. ClinVar contains an entry for this variant (Variation ID: 444660). Invitae Evidence Modeling of protein sequence and biophysical properties (such as structural, functional, and spatial information, amino acid conservation, physicochemical variation, residue mobility, and thermodynamic stability) indicates that this missense variant is expected to disrupt SLC22A5 protein function with a positive predictive value of 95%. This variant disrupts the p.Arg471 amino acid residue in SLC22A5. Other variant(s) that disrupt this residue have been determined to be pathogenic (PMID: 14605509, 20074989, 21922592, 25132046, 26190315, 29132460). This suggests that this residue is clinically significant, and that variants that disrupt this residue are likely to be disease-causing. In summary, the currently available evidence indicates that the variant is pathogenic, but additional data are needed to prove that conclusively. Therefore, this variant has been classified as Likely Pathogenic.

CeGaT Center for Human Genetics Tuebingen
Classification: Likely pathogenic. Last evaluated: 2017-04-01. Review status: criteria provided, single submitter. Criteria: CeGaT Center For Human Genetics Tuebingen Variant Classification Criteria Version 2. Collection method: clinical testing. Allele origin: germline. Affected: yes. Observed: 1 variant allele.

Literature cited by the submitters: PubMed 14605509 (cited by Labcorp Genetics (formerly Invitae), Labcorp); PubMed 20074989 (cited by Labcorp Genetics (formerly Invitae), Labcorp); PubMed 21922592 (cited by Labcorp Genetics (formerly Invitae), Labcorp); PubMed 25132046 (cited by Labcorp Genetics (formerly Invitae), Labcorp); PubMed 26190315 (cited by Labcorp Genetics (formerly Invitae), Labcorp); PubMed 29132460 (cited by Labcorp Genetics (formerly Invitae), Labcorp).